The following is an entry in ClinVar:

ClinVar aggregate classification (germline): Uncertain significance (1 of 4 stars; one submission).

Submission:

Women's Health and Genetics/Laboratory Corporation of America, LabCorp
Classification: Uncertain significance. Last evaluated: 2022-08-03. Review status: criteria provided, single submitter. Criteria: LabCorp Variant Classification Summary - May 2015. Collection method: clinical testing. Allele origin: germline.
Comment: Variant summary: The variant identified by MLPA or other technology involves the duplication of the entire coding sequence (i.e. exons 1-9) in the EIF2B1 gene. A presumed nomenclature of c.(?_-220)_(*734_?)dup has been designated for the purposes of this classification. It has been assumed that this is a tandem duplication in direct orientation (Richardson_GIM_2018, Newman_AJHG_2015). Since exact breakpoints of this duplication are not known, it might extend beyond the assayed region of the gene, including other flanking genes. The variant was absent in 21694 control chromosomes (gnomAD database, structural variants dataset). The available data on variant occurrences in the general population are insufficient to allow any conclusion about variant significance. To our knowledge, no occurrence of c.(?_-220)_(*734_?)dup in individuals affected with Leukoencephalopathy with Vanishing White Matter and no experimental evidence demonstrating its impact on protein function have been reported. No clinical diagnostic laboratories have submitted clinical-significance assessments for this variant to ClinVar after 2014. Based on the evidence outlined above, the variant was classified as uncertain significance.

NC_000012.11:g.(?_124105569)_(124118324_?)dup

Gene: EIF2B1 (eukaryotic translation initiation factor 2B subunit alpha; minus strand). Cytogenetic location: 12q24.31.
Variant type: Duplication.
Identifiers: ClinVar variation 1705212 (VCV001705212.1).